The following is an entry in ClinVar:

ClinVar aggregate classification (germline): Uncertain significance. Review status: criteria provided, multiple submitters, no conflicts (2 of 4 stars). 2 submissions from 2 submitters: Uncertain significance (2). Last evaluated 2025-04-01.

Conditions:
Inborn genetic diseases. Identifiers: MedGen C0950123, MeSH D030342.

Allele frequency attached by ClinVar (database versions not stated): gnomAD exomes below 0.00001; TOPMed below 0.00001.
gnomAD v4.1: 2 of 1,614,150 alleles (0.00012%); highest among the groups gnomAD compares: Non-Finnish European, 0.00017%; no homozygotes.

Submissions (2):

Ambry Genetics
Classification: Uncertain significance for Inborn genetic diseases. Last evaluated: 2025-04-01. Review status: criteria provided, single submitter. Criteria: Ambry Variant Classification Scheme 2023. Collection method: clinical testing. Allele origin: germline.

Labcorp Genetics (formerly Invitae), Labcorp
Classification: Uncertain significance. Last evaluated: 2022-10-01. Review status: criteria provided, single submitter. Criteria: Invitae Variant Classification Sherloc (09022015). Collection method: clinical testing. Allele origin: germline.
Comment: In summary, the available evidence is currently insufficient to determine the role of this variant in disease. Therefore, it has been classified as a Variant of Uncertain Significance. Advanced modeling of protein sequence and biophysical properties (such as structural, functional, and spatial information, amino acid conservation, physicochemical variation, residue mobility, and thermodynamic stability) performed at Invitae indicates that this missense variant is not expected to disrupt ABCC2 protein function. This variant has not been reported in the literature in individuals affected with ABCC2-related conditions. This variant is not present in population databases (gnomAD no frequency). This sequence change replaces phenylalanine, which is neutral and non-polar, with valine, which is neutral and non-polar, at codon 550 of the ABCC2 protein (p.Phe550Val).

NM_000392.5(ABCC2):c.1648T>G (p.Phe550Val)

Gene: ABCC2 (ATP binding cassette subfamily C member 2; plus strand). Cytogenetic location: 10q24.2.
Variant type: single nucleotide variant.
Coding change: c.1648T>G on transcript NM_000392.5 (MANE Select); coding-DNA position 1648, T replaced by G.
Protein change: p.Phe550Val; replaces phenylalanine 550 with valine.
Molecular consequence: missense variant.
Genome position (GRCh38, 1-based): chr10:99,807,501, T>G. VCF-style: chr10-99807501-T-G. GRCh37 (hg19) VCF-style: chr10-101567258-T-G.
Other names: c.1648T>G (NM_000392.3); short protein forms F550V.
Identifiers: ClinVar variation 1955926 (VCV001955926.6), dbSNP rs2038133357, ClinGen allele CA378109345.